The following is an entry in ClinVar:

NM_020822.3(KCNT1):c.1698_1699delinsTA (p.Met566_Gly567delinsIleSer)

Gene: KCNT1 (potassium sodium-activated channel subfamily T member 1; plus strand). Cytogenetic location: 9q34.3.
Variant type: Indel.
Coding change: c.1698_1699delinsTA on transcript NM_020822.3 (MANE Select); coding-DNA positions 1698 to 1699, GG replaced by TA.
Protein change: p.Met566_Gly567delinsIleSer.
Molecular consequence: missense variant.
Genome position (GRCh38, 1-based): chr9:135,770,376-135,770,377, GG replaced by TA. VCF-style: chr9-135770376-GG-TA. GRCh37 (hg19) VCF-style: chr9-138662222-GG-TA.
Other names: c.1563_1564delinsTA, p.Met521_Gly522delinsIleSer (NM_001272003.2).
Identifiers: ClinVar variation 540567 (VCV000540567.7), dbSNP rs1554774874, ClinGen allele CA658797373.
Genomic context (GRCh38, chr9:135,770,376, plus strand): 5'-GGAGCAGTGGCAGCGCATGTATGGGCGCTGCTCCGGCAACGAGGTGTACCACATCCGCAT[GG>TA]GTGACAGCAAGTTCTTCCGCGAGTACGAGGGCAAGAGCTTCACCTACGCGGCCTTCCACG-3'

ClinVar aggregate classification (germline): Uncertain significance (1 of 4 stars; one submission).

Conditions:
Autosomal dominant nocturnal frontal lobe epilepsy 5. Also called: Epilepsy, nocturnal frontal lobe, 5; KCNT1-Related Epilepsy; CILIARY DYSKINESIA, PRIMARY, 28, WITHOUT SITUS INVERSUS; CILIARY DYSKINESIA, PRIMARY, 28, WITH SITUS INVERSUS. Identifiers: Orphanet 98784, MedGen C3554306, MONDO:0014002, OMIM 615005.
Developmental and epileptic encephalopathy, 14 (DEE14). Also called: Early infantile epileptic encephalopathy 14. Identifiers: Orphanet 293181, MedGen C3554195, MONDO:0013989, OMIM 614959.

Submission:

Labcorp Genetics (formerly Invitae), Labcorp
Classification: Uncertain significance for Autosomal dominant nocturnal frontal lobe epilepsy 5; Developmental and epileptic encephalopathy, 14. Last evaluated: 2017-09-27. Review status: criteria provided, single submitter. Criteria: Invitae Variant Classification Sherloc (09022015). Collection method: clinical testing. Allele origin: germline.
Comment: This variant has not been reported in the literature in individuals with KCNT1-related disease. Algorithms developed to predict the effect of missense changes on protein structure and function (SIFT, PolyPhen-2, Align-GVGD) all suggest that this variant is likely to be tolerated, but these predictions have not been confirmed by published functional studies. In summary, the available evidence is currently insufficient to determine the role of this variant in disease. Therefore, it has been classified as a Variant of Uncertain Significance. Algorithms developed to predict the effect of sequence changes on RNA splicing suggest that this variant may create or strengthen a splice site, but this prediction has not been confirmed by published transcriptional studies. This variant is not present in population databases (ExAC no frequency). This sequence change deletes 2 nucleotides and inserts 2 nucleotides in exon 17 of the KCNT1 mRNA (c.1698_1699delGGinsTA), replacing methionine/glycine with isoleucine/serine at codon 566/567 of the CDH1 protein (p.Met566_Gly567delinsIleSer).